The following is an entry in ClinVar:

ClinVar aggregate classification (germline): Conflicting classifications of pathogenicity. Review status: criteria provided, conflicting classifications (1 of 4 stars). 3 submissions from 3 submitters: Uncertain significance (1); Likely benign (1). 1 of the submissions does not count toward it. Last evaluated 2023-07-17.

Conditions:
LEPR-related disorder. Also called: LEPR-related condition; LEPR-related disorders.
Obesity due to leptin receptor gene deficiency. Identifiers: Orphanet 179494, MedGen C3554225, MONDO:0013992, OMIM 614963.

Allele frequency attached by ClinVar (database versions not stated): gnomAD 0.00001 and 0.00006; TOPMed 0.00003; gnomAD exomes 0.00014 and 0.00025; 1000 Genomes Project 0.00020; ExAC 0.00029; 1000 Genomes Project 30x 0.00031.
gnomAD v4.1: 217 of 1,613,540 alleles (0.013%); highest among the groups gnomAD compares: South Asian, 0.16%; 3 homozygotes.

Submissions (3):

Labcorp Genetics (formerly Invitae), Labcorp
Classification: Likely benign. Last evaluated: 2023-07-17. Review status: criteria provided, single submitter. Criteria: Invitae Variant Classification Sherloc (09022015). Collection method: clinical testing. Allele origin: germline.

Illumina Laboratory Services, Illumina
Classification: Uncertain significance for Obesity due to leptin receptor gene deficiency. Last evaluated: 2018-01-13. Review status: criteria provided, single submitter. Criteria: ICSL Variant Classification Criteria 13 December 2019. Collection method: clinical testing. Allele origin: germline.

PreventionGenetics, part of Exact Sciences
Classification: Likely benign for LEPR-related condition. Last evaluated: 2023-09-14. Review status: no assertion criteria provided. Collection method: clinical testing. Allele origin: germline. Not counted in ClinVar's aggregate classification.
Comment: This variant is classified as likely benign based on ACMG/AMP sequence variant interpretation guidelines (Richards et al. 2015 PMID: 25741868, with internal and published modifications).

NM_002303.6(LEPR):c.921G>C (p.Gln307His)

Gene: LEPR (leptin receptor; plus strand). Cytogenetic location: 1p31.3.
Variant type: single nucleotide variant.
Coding change: c.921G>C on transcript NM_002303.6 (MANE Select); coding-DNA position 921, G replaced by C.
Protein change: p.Gln307His; replaces glutamine 307 with histidine.
Molecular consequence: missense variant.
Genome position (GRCh38, 1-based): chr1:65,598,731, G>C. VCF-style: chr1-65598731-G-C. GRCh37 (hg19) VCF-style: chr1-66064414-G-C.
Other names: c.921G>C, p.Gln307His (NM_001003679.3, NM_001003680.3, NM_001198687.2 and 2 more transcripts); short protein forms Q307H.
Identifiers: ClinVar variation 297990 (VCV000297990.12), dbSNP rs531183918, ClinGen allele CA894690.
Genomic context (GRCh38, chr1:65,598,731, plus strand): 5'-TGTCTCAGCTACATCCCTGCTAGTAGACAGTATACTTCCTGGGTCTTCGTATGAGGTTCA[G>C]GTGAGGGGCAAGAGACTGGATGGCCCAGGAATCTGGAGTGACTGGAGTACTCCTCGTGTC-3'
Protein context (NP_002294.2, residues 297-317): SILPGSSYEV[Gln307His]VRGKRLDGPG